The following is an entry in ClinVar:

ClinVar aggregate classification (germline): Uncertain significance (1 of 4 stars; one submission).

Submission:

CeGaT Center for Human Genetics Tuebingen
Classification: Uncertain significance. Last evaluated: 2026-02-01. Review status: criteria provided, single submitter. Criteria: CeGaT Center For Human Genetics Tuebingen Variant Classification Criteria Version 2. Collection method: clinical testing. Allele origin: germline. Affected: yes. Observed: 1 variant allele.
Comment: HCN2: PM2, PP3

NM_001194.4(HCN2):c.381C>G (p.Cys127Trp)

Gene: HCN2 (hyperpolarization activated cyclic nucleotide gated potassium and sodium channel 2; plus strand). Cytogenetic location: 19p13.3.
Variant type: single nucleotide variant.
Coding change: c.381C>G on transcript NM_001194.4 (MANE Select); coding-DNA position 381, C replaced by G.
Protein change: p.Cys127Trp; replaces cysteine 127 with tryptophan.
Molecular consequence: missense variant.
Genome position (GRCh38, 1-based): chr19:590,326, C>G. VCF-style: chr19-590326-C-G. GRCh37 (hg19) VCF-style: chr19-590326-C-G.
Other names: short protein forms C127W.
Identifiers: ClinVar variation 4822406 (VCV004822406.4).
Genomic context (GRCh38, chr19:590,326, plus strand): 5'-GCAGTGCAGCCCCGCGGGGCCCGAGGGCCCGGCGCGGGGGCCCAAGGTGTCGTTCTCGTG[C>G]CGCGGGGCGGCCTCGGGGCCCGCGCCGGGGCCGGGGCCGGCGGAGGAGGCGGGCAGCGAG-3'
Protein context (NP_001185.3, residues 117-137): PARGPKVSFS[Cys127Trp]RGAASGPAPG